The following is an entry in ClinVar:

NM_001372044.2(SHANK3):c.3840G>A (p.Arg1280=)

Gene: SHANK3 (SH3 and multiple ankyrin repeat domains 3; plus strand). Cytogenetic location: 22q13.33.
Variant type: single nucleotide variant.
Coding change: c.3840G>A on transcript NM_001372044.2 (MANE Select); coding-DNA position 3840, G replaced by A.
Protein change: p.Arg1280=; no amino-acid change (arginine 1280 retained).
Molecular consequence: synonymous variant.
Genome position (GRCh38, 1-based): chr22:50,721,448, G>A. VCF-style: chr22-50721448-G-A. GRCh37 (hg19) VCF-style: chr22-51159876-G-A.
Other names: c.3615G>A (NM_033517.1).
Identifiers: ClinVar variation 3352740 (VCV003352740.1).

ClinVar aggregate classification (germline): Likely benign (0 of 4 stars; one submission).

Conditions:
SHANK3-related disorder. Also called: SHANK3-related condition.

Submission:

PreventionGenetics, part of Exact Sciences
Classification: Likely benign for SHANK3-related condition. Last evaluated: 2024-09-09. Review status: no assertion criteria provided. Collection method: clinical testing. Allele origin: germline.
Comment: This variant is classified as likely benign based on ACMG/AMP sequence variant interpretation guidelines (Richards et al. 2015 PMID: 25741868, with internal and published modifications).